The following is an entry in ClinVar:

ClinVar aggregate classification (germline): Uncertain significance (1 of 4 stars; one submission).

Allele frequency attached by ClinVar (database versions not stated): ExAC 0.00001; gnomAD exomes 0.00001.
gnomAD v4.1: 8 of 1,613,958 alleles (0.0005%); highest among the groups gnomAD compares: Non-Finnish European, 0.00068%; no homozygotes.

Submission:

Labcorp Genetics (formerly Invitae), Labcorp
Classification: Uncertain significance. Last evaluated: 2026-01-22. Review status: criteria provided, single submitter. Criteria: Invitae Variant Classification Sherloc (09022015). Collection method: clinical testing. Allele origin: germline.
Comment: This sequence change replaces glycine, which is neutral and non-polar, with valine, which is neutral and non-polar, at codon 254 of the CACNA2D4 protein (p.Gly254Val). This variant is present in population databases (rs763468551, gnomAD 0.0009%). This variant has not been reported in the literature in individuals affected with CACNA2D4-related conditions. ClinVar contains an entry for this variant (Variation ID: 2084939). An algorithm developed to predict the effect of missense changes on protein structure and function (PolyPhen-2) suggests that this variant is likely to be disruptive. In summary, the available evidence is currently insufficient to determine the role of this variant in disease. Therefore, it has been classified as a Variant of Uncertain Significance.

NM_172364.5(CACNA2D4):c.761G>T (p.Gly254Val)

Gene: CACNA2D4 (calcium voltage-gated channel auxiliary subunit alpha2delta 4; minus strand). Cytogenetic location: 12p13.33.
Variant type: single nucleotide variant.
Coding change: c.761G>T on transcript NM_172364.5 (MANE Select); coding-DNA position 761, G replaced by T.
Protein change: p.Gly254Val; replaces glycine 254 with valine.
Molecular consequence: missense variant.
Genome position (GRCh38, 1-based): chr12:1,907,460, C>A on the plus strand (G>T on the coding strand, the complement: CACNA2D4 is on the minus strand). VCF-style: chr12-1907460-C-A. GRCh37 (hg19) VCF-style: chr12-2016626-C-A.
Other names: short protein forms G254V.
Identifiers: ClinVar variation 2084939 (VCV002084939.4), dbSNP rs763468551, ClinGen allele CA6387423.
Genomic context (GRCh38, chr12:1,907,460, plus strand): 5'-AATCCCAGAAGGTCGGGGAGATGCAACTCCATGTCCTTACCTGGATAGATCCTGAAGAAT[C>A]CAGTTGCACTGCCAAAATATTGCCAGGTCAACGTTGGGTCTCTCTGGAAGTTCTCCACGA-3'
Protein context (NP_758952.4, residues 244-264): LTWQYFGSAT[Gly254Val]FFRIYPGIKW